The following is an entry in ClinVar:

NM_001370100.5(ZMYND11):c.1252G>T (p.Val418Leu)

Genes: ZMYND11 (zinc finger MYND-type containing 11; plus strand), LOC126860802 (BRD4-independent group 4 enhancer GRCh37_chr10:294268-295467; plus strand). Cytogenetic location: 10p15.3.
Variant type: single nucleotide variant.
Coding change: c.1252G>T on transcript NM_001370100.5 (MANE Select); coding-DNA position 1252, G replaced by T.
Protein change: p.Val418Leu; replaces valine 418 with leucine.
Molecular consequence: missense variant. On other transcripts: non-coding transcript variant (1).
Genome position (GRCh38, 1-based): chr10:248,360, G>T. VCF-style: chr10-248360-G-T. GRCh37 (hg19) VCF-style: chr10-294300-G-T.
Other names: c.1090G>T, p.Val364Leu (NM_001202464.3, NM_001202467.1, NM_001370103.2 and 6 more transcripts); c.997G>T, p.Val333Leu (NM_001202465.3, NM_001370110.2); c.1087G>T, p.Val363Leu (NM_001202466.3, NM_001370111.2); c.1252G>T, p.Val418Leu (NM_001202468.1, NM_001370097.3, NM_001370098.2 and 4 more transcripts); c.1201G>T, p.Val401Leu (NM_001330057.3, NM_001370112.2); c.1159G>T, p.Val387Leu (NM_001370113.2, NM_001370114.2); c.1249G>T, p.Val417Leu (NM_001370115.2, NM_212479.4); c.1186G>T, p.Val396Leu (NM_001370116.2); and 8 more; short protein forms V261L, V299L, V316L, V324L, V333L, V342L, V363L, V364L.
Identifiers: ClinVar variation 3373525 (VCV003373525.1).

ClinVar aggregate classification (germline): Uncertain significance (1 of 4 stars; one submission).

Submission:

GeneDx
Classification: Uncertain significance. Last evaluated: 2024-03-01. Review status: criteria provided, single submitter. Criteria: GeneDx Variant Classification Process June 2021. Collection method: clinical testing. Allele origin: germline. Affected: yes.
Comment: Not observed at significant frequency in large population cohorts (gnomAD); In silico analysis supports that this missense variant does not alter protein structure/function; Has not been previously published as pathogenic or benign to our knowledge